The following is an entry in ClinVar:

NM_005359.6(SMAD4):c.905-8T>C

Gene: SMAD4 (SMAD family member 4; plus strand). Cytogenetic location: 18q21.2.
Variant type: single nucleotide variant.
Coding change: c.905-8T>C on transcript NM_005359.6 (MANE Select); 8 bases into the intron before coding-DNA position 905, T replaced by C.
Molecular consequence: intron variant.
Genome position (GRCh38, 1-based): chr18:51,059,858, T>C. VCF-style: chr18-51059858-T-C. GRCh37 (hg19) VCF-style: chr18-48586228-T-C.
Identifiers: ClinVar variation 1160093 (VCV001160093.13), dbSNP rs1249416688, ClinGen allele CA629588282.

ClinVar aggregate classification (germline): Conflicting classifications of pathogenicity. Review status: criteria provided, conflicting classifications (1 of 4 stars). 4 submissions from 4 submitters: Uncertain significance (1); Likely benign (3). Last evaluated 2025-03-20.

Conditions:
Juvenile polyposis syndrome (JPS). Identifiers: Orphanet 2929, MedGen C0345893, MONDO:0017380, OMIM 174900.
Hereditary cancer-predisposing syndrome. Also called: Tumor predisposition; Hereditary Cancer Syndrome; Neoplastic Syndromes, Hereditary; Hereditary neoplastic syndrome. Identifiers: Orphanet 140162, MedGen C0027672, MeSH D009386, MONDO:0015356.
Juvenile polyposis/hereditary hemorrhagic telangiectasia syndrome (JPHT). Also called: JP/HHT SYNDROME; JUVENILE POLYPOSIS WITH HEREDITARY HEMORRHAGIC TELANGIECTASIA; POLYPOSIS, GENERALIZED JUVENILE, WITH PULMONARY ARTERIOVENOUS MALFORMATION; TELANGIECTASIA, HEREDITARY HEMORRHAGIC, WITH JUVENILE POLYPOSIS COLI; Juvenile Polyposis Syndrome / Hereditary Hemorrhagic Telangiectasia (JPS/HHT). Identifiers: Orphanet 2929, MedGen C1832942, MONDO:0008278, OMIM 175050.

Allele frequency attached by ClinVar (database versions not stated): gnomAD exomes below 0.00001; gnomAD 0.00001.
gnomAD v4.1: 2 of 1,608,732 alleles (0.00012%); highest among the groups gnomAD compares: Non-Finnish European, 0.00017%; no homozygotes.

Submissions (4):

Myriad Genetics, Inc.
Classification: Likely benign for Juvenile polyposis/hereditary hemorrhagic telangiectasia syndrome. Last evaluated: 2025-03-20. Review status: criteria provided, single submitter. Criteria: Myriad Autosomal Dominant, Autosomal Recessive and X-Linked Classification Criteria (2023). Collection method: clinical testing. Allele origin: unknown.
Comment: This variant is considered likely benign. This variant is intronic and is not expected to impact mRNA splicing.

Labcorp Genetics (formerly Invitae), Labcorp
Classification: Likely benign for Juvenile polyposis syndrome. Last evaluated: 2025-01-05. Review status: criteria provided, single submitter. Criteria: Invitae Variant Classification Sherloc (09022015). Collection method: clinical testing. Allele origin: germline.

GeneDx
Classification: Uncertain significance. Last evaluated: 2023-04-18. Review status: criteria provided, single submitter. Criteria: GeneDx Variant Classification Process June 2021. Collection method: clinical testing. Allele origin: germline. Affected: yes.
Comment: Not observed at a significant frequency in large population cohorts (gnomAD); In silico analysis supports that this variant does not alter splicing; Has not been previously published as pathogenic or benign to our knowledge

Color Diagnostics, LLC DBA Color Health
Classification: Likely benign for Hereditary cancer-predisposing syndrome. Last evaluated: 2020-03-23. Review status: criteria provided, single submitter. Criteria: ACMG Guidelines, 2015. Collection method: clinical testing. Allele origin: germline.